The following is an entry in ClinVar:

ClinVar aggregate classification (germline): Benign/Likely benign. Review status: criteria provided, multiple submitters, no conflicts (2 of 4 stars). 3 submissions from 3 submitters: Benign (1); Likely benign (1). 1 of the submissions does not count toward it. Last evaluated 2025-11-24.

Conditions:
MERTK-related disorder. Also called: MERTK-related condition.

Allele frequency attached by ClinVar (database versions not stated): gnomAD 0.00009 and 0.00012; 1000 Genomes Project 30x 0.00047; 1000 Genomes Project 0.00060.
gnomAD v4.1: 124 of 1,613,740 alleles (0.0077%); highest among the groups gnomAD compares: East Asian, 0.25%; no homozygotes.

Submissions (3):

Labcorp Genetics (formerly Invitae), Labcorp
Classification: Benign. Last evaluated: 2025-11-24. Review status: criteria provided, single submitter. Criteria: Invitae Variant Classification Sherloc (09022015). Collection method: clinical testing. Allele origin: germline.

Blueprint Genetics
Classification: Likely benign. Last evaluated: 2024-11-20. Review status: criteria provided, single submitter. Criteria: ACMG Guidelines, 2015. Collection method: clinical testing. Allele origin: germline.

PreventionGenetics, part of Exact Sciences
Classification: Likely benign for MERTK-related condition. Last evaluated: 2020-03-18. Review status: no assertion criteria provided. Collection method: clinical testing. Allele origin: germline. Not counted in ClinVar's aggregate classification.
Comment: This variant is classified as likely benign based on ACMG/AMP sequence variant interpretation guidelines (Richards et al. 2015 PMID: 25741868, with internal and published modifications).

NM_006343.3(MERTK):c.1297-4C>A

Gene: MERTK (MER proto-oncogene, tyrosine kinase; plus strand). Cytogenetic location: 2q13.
Variant type: single nucleotide variant.
Coding change: c.1297-4C>A on transcript NM_006343.3 (MANE Select); 4 bases into the intron before coding-DNA position 1297, C replaced by A.
Molecular consequence: intron variant.
Genome position (GRCh38, 1-based): chr2:111,994,247, C>A. VCF-style: chr2-111994247-C-A. GRCh37 (hg19) VCF-style: chr2-112751824-C-A.
Other names: c.1297-4C>A (NM_006343.2).
Identifiers: ClinVar variation 1636334 (VCV001636334.12), dbSNP rs141641623, ClinGen allele CA1831347.